The following is an entry in ClinVar:

NM_001142864.4(PIEZO1):c.7129+5G>A

Gene: PIEZO1 (piezo type mechanosensitive ion channel component 1 (Er blood group); minus strand). Cytogenetic location: 16q24.3.
Variant type: single nucleotide variant.
Coding change: c.7129+5G>A on transcript NM_001142864.4 (MANE Select); 5 bases into the intron after coding-DNA position 7129, G replaced by A.
Molecular consequence: intron variant.
Genome position (GRCh38, 1-based): chr16:88,716,193, C>T on the plus strand (G>A on the coding strand, the complement: PIEZO1 is on the minus strand). VCF-style: chr16-88716193-C-T. GRCh37 (hg19) VCF-style: chr16-88782601-C-T.
Other names: NC_000016.9:g.88782601C>T.
Identifiers: ClinVar variation 1677981 (VCV001677981.3), dbSNP rs1912013758, ClinGen allele CA2573152845.

ClinVar aggregate classification (germline): Uncertain significance. Review status: criteria provided, multiple submitters, no conflicts (2 of 4 stars). 2 submissions from 2 submitters: Uncertain significance (2). Last evaluated 2026-01-08.

Conditions:
Lymphatic malformation 6 (LMPHM6). Also called: GENERALIZED LYMPHATIC DYSPLASIA OF FOTIOU; Lymphedema, hereditary, III; PIEZO1-related generalized lymphatic dysplasia with non-immune hydrops fetalis. Identifiers: Orphanet 568062, MedGen C4225184, MONDO:0014797, OMIM 616843.

Allele frequency attached by ClinVar (database versions not stated): gnomAD exomes below 0.00001.
gnomAD v4.1: 1 of 1,502,848 alleles (0.000067%); highest among the groups gnomAD compares: Non-Finnish European, 0.000089%; no homozygotes.

Submissions (3):

3billion
Classification: Uncertain significance for Lymphatic malformation 6. Last evaluated: 2026-01-08. Review status: criteria provided, single submitter. Criteria: ACMG Guidelines, 2015. Collection method: clinical testing. Allele origin: germline. Affected: yes.
Comment: The variant is observed at an extremely low frequency in the gnomAD v4.1.0 dataset (total allele frequency: <0.001%). Predicted Consequence/Location: Intron variant In silico tools predict the variant to alter splicing and produce an abnormal transcript [SpliceAI: 0.70 (>=0.2, moderate evidence for spliceogenicity)]. The variant has been reported as of uncertain significance (ClinVar ID: VCV001677981). Therefore, this variant is classified as VUS according to the recommendation of ACMG/AMP guideline.

AiLife Diagnostics
Classification: Uncertain significance. Last evaluated: 2022-02-24. Review status: criteria provided, single submitter. Criteria: ACMG Guidelines, 2015. Collection method: clinical testing. Allele origin: germline. Affected: yes. Observed: 1 variant allele.

Dr. Peter K. Rogan Lab, Western University
No classification provided (evidence only). Condition: Ovarian serous cystadenocarcinoma. Review status: no classification provided. Collection method: in vitro. Allele origin: not applicable. Functional consequence: retained intron. Not counted in ClinVar's aggregate classification.